The following is an entry in ClinVar:

ClinVar aggregate classification (germline): Uncertain significance (1 of 4 stars; one submission).

Submission:

GeneDx
Classification: Uncertain significance. Last evaluated: 2019-11-15. Review status: criteria provided, single submitter. Criteria: GeneDx Variant Classification Process June 2021. Collection method: clinical testing. Allele origin: germline. Affected: yes.
Comment: Has not been previously published as pathogenic or benign to our knowledge; In-silico analysis, which includes splice predictors and evolutionary conservation, is inconclusive as to whether the variant alters gene splicing. In the absence of RNA/functional studies, the actual effect of this sequence change is unknown.; Not observed in large population cohorts (Lek et al., 2016)

NM_000550.3(TYRP1):c.1408+3G>C

Genes: LURAP1L-AS1 (LURAP1L antisense RNA 1; minus strand), TYRP1 (tyrosinase related protein 1; plus strand). Cytogenetic location: 9p23.
Variant type: single nucleotide variant.
Coding change: c.1408+3G>C on transcript NM_000550.3 (MANE Select); 3 bases into the intron after coding-DNA position 1408, G replaced by C.
Molecular consequence: intron variant.
Genome position (GRCh38, 1-based): chr9:12,708,146, G>C. VCF-style: chr9-12708146-G-C. GRCh37 (hg19) VCF-style: chr9-12708146-G-C.
Identifiers: ClinVar variation 1309803 (VCV001309803.2), dbSNP rs2118273444, ClinGen allele CA2573053087.